The following is an entry in ClinVar:

ClinVar aggregate classification (germline): Uncertain significance (1 of 4 stars; one submission).

Conditions:
Hereditary nonpolyposis colorectal neoplasms. Identifiers: MedGen C0009405, MeSH D003123.

Submission:

Labcorp Genetics (formerly Invitae), Labcorp
Classification: Uncertain significance for Hereditary nonpolyposis colorectal neoplasms. Last evaluated: 2022-09-28. Review status: criteria provided, single submitter. Criteria: Invitae Variant Classification Sherloc (09022015). Collection method: clinical testing. Allele origin: germline.
Comment: This variant results in a copy number gain of the genomic region encompassing exon(s) 1-2 of the MSH6 gene. This region includes the initiator codon of the gene. This copy number gain extends beyond the assayed region for this gene and therefore may encompass additional genes. As the precise location of this event is unknown, it may be in tandem or it may be located elsewhere in the genome. This variant has not been reported in the literature in individuals affected with MSH6-related conditions. Experimental studies and prediction algorithms are not available or were not evaluated, and the functional significance of this variant is currently unknown. In summary, the available evidence is currently insufficient to determine the role of this variant in disease. Therefore, it has been classified as a Variant of Uncertain Significance.

NC_000002.12:g.(?_47783234)_(47791133_?)dup

Gene: MSH6 (mutS homolog 6; plus strand). Cytogenetic location: 2p16.3.
Variant type: Duplication.
Identifiers: ClinVar variation 833212 (VCV000833212.3).